The following is an entry in ClinVar:

ClinVar aggregate classification (germline): Pathogenic (1 of 4 stars; one submission).

Submission:

Labcorp Genetics (formerly Invitae), Labcorp
Classification: Pathogenic. Last evaluated: 2023-09-08. Review status: criteria provided, single submitter. Criteria: Invitae Variant Classification Sherloc (09022015). Collection method: clinical testing. Allele origin: germline.
Comment: For these reasons, this variant has been classified as Pathogenic. ClinVar contains an entry for this variant (Variation ID: 242460). This variant has been observed in individual(s) with clinical features of mitochondrial complex I deficiency (PMID: 26669660, 30025539). In at least one individual the data is consistent with being in trans (on the opposite chromosome) from a pathogenic variant. This variant is not present in population databases (gnomAD no frequency). This variant results in the deletion of part of exon 16 (c.1564-6_1569del) of the ACAD9 gene. It is expected to disrupt RNA splicing. Variants that disrupt the donor or acceptor splice site typically lead to a loss of protein function (PMID: 16199547), and loss-of-function variants in ACAD9 are known to be pathogenic (PMID: 25721401).

Literature cited by the submitters: PubMed 26669660; PubMed 30025539; PubMed 16199547; PubMed 25721401.

NM_014049.5(ACAD9):c.1564-6_1569del

Genes: CFAP92 (cilia and flagella associated protein 92 (putative); minus strand), ACAD9 (acyl-CoA dehydrogenase family member 9; plus strand). Cytogenetic location: 3q21.3.
Variant type: Deletion.
Coding change: c.1564-6_1569del on transcript NM_014049.5 (MANE Select); 6 bases into the intron before coding-DNA position 1564 through coding-DNA position 1569, 12 bases deleted (TCCCAGACCATC).
Molecular consequence: splice acceptor variant. On other transcripts: 3 prime UTR variant (3).
Genome position (GRCh38, 1-based): chr3:128,910,015-128,910,026, TCCCAGACCATC deleted. VCF-style (leftmost placement, unchanged base first): chr3-128910014-ATCCCAGACCATC-A. GRCh37 (hg19) VCF-style: chr3-128628857-ATCCCAGACCATC-A.
Other names: c.*273_*284del (NM_001348520.2, NM_001348521.2, NM_001394090.1); c.1195-6_1200del (NM_001410805.1).
Identifiers: ClinVar variation 242460 (VCV000242460.9), dbSNP rs863225059, ClinGen allele CA353826.
Genomic context (GRCh38, chr3:128,910,014, plus strand): 5'-CAGGGAGGGACCATGTGGGGGACTGGTCTAGGTAGTGAGTCCCCACTTGGAGCCTCTGTG[ATCCCAGACCATC>A]ATGGAGGAGCAGCTGGTACTGAAGCGGGTGGCCAACATCCTCATCAACCTGTATGGCATG-3'